The following is an entry in ClinVar:

ClinVar aggregate classification (germline): Uncertain significance (1 of 4 stars; one submission).

Conditions:
Carnitine palmitoyltransferase II deficiency. Also called: Carnitine Palmitoyltransferase 2 Deficiency. Identifiers: Orphanet 157, MedGen C0342790, MONDO:0015515.

Submission:

Labcorp Genetics (formerly Invitae), Labcorp
Classification: Uncertain significance for Carnitine palmitoyltransferase II deficiency. Last evaluated: 2023-04-24. Review status: criteria provided, single submitter. Criteria: Invitae Variant Classification Sherloc (09022015). Collection method: clinical testing. Allele origin: germline.
Comment: Advanced modeling of protein sequence and biophysical properties (such as structural, functional, and spatial information, amino acid conservation, physicochemical variation, residue mobility, and thermodynamic stability) performed at Invitae indicates that this missense variant is not expected to disrupt CPT2 protein function. In summary, the available evidence is currently insufficient to determine the role of this variant in disease. Therefore, it has been classified as a Variant of Uncertain Significance. ClinVar contains an entry for this variant (Variation ID: 1461400). This variant has not been reported in the literature in individuals affected with CPT2-related conditions. This variant is not present in population databases (gnomAD no frequency). This sequence change replaces valine, which is neutral and non-polar, with alanine, which is neutral and non-polar, at codon 195 of the CPT2 protein (p.Val195Ala).

NM_000098.3(CPT2):c.584T>C (p.Val195Ala)

Gene: CPT2 (carnitine palmitoyltransferase 2; plus strand). Cytogenetic location: 1p32.3.
Variant type: single nucleotide variant.
Coding change: c.584T>C on transcript NM_000098.3 (MANE Select); coding-DNA position 584, T replaced by C.
Protein change: p.Val195Ala; replaces valine 195 with alanine.
Molecular consequence: missense variant.
Genome position (GRCh38, 1-based): chr1:53,210,258, T>C. VCF-style: chr1-53210258-T-C. GRCh37 (hg19) VCF-style: chr1-53675930-T-C.
Other names: c.584T>C, p.Val195Ala (NM_001330589.2); short protein forms V195A.
Identifiers: ClinVar variation 1461400 (VCV001461400.8), dbSNP rs2100272140, ClinGen allele CA340392777.